The following is an entry in ClinVar:

NM_000088.4(COL1A1):c.2105C>T (p.Ala702Val)

Gene: COL1A1 (collagen type I alpha 1 chain; minus strand). Cytogenetic location: 17q21.33.
Variant type: single nucleotide variant.
Coding change: c.2105C>T on transcript NM_000088.4 (MANE Select); coding-DNA position 2105, C replaced by T.
Protein change: p.Ala702Val; replaces alanine 702 with valine.
Molecular consequence: missense variant.
Genome position (GRCh38, 1-based): chr17:50,191,810, G>A on the plus strand (C>T on the coding strand, the complement: COL1A1 is on the minus strand). VCF-style: chr17-50191810-G-A. GRCh37 (hg19) VCF-style: chr17-48269171-G-A.
Other names: short protein forms A702V.
Identifiers: ClinVar variation 4998860 (VCV004998860.1).

ClinVar aggregate classification (germline): Uncertain significance (1 of 4 stars; one submission).

Conditions:
COL1A1-related disorder. Also called: COL1A1- related disease; COL1A1-related condition.

Submission:

PreventionGenetics, part of Exact Sciences
Classification: Uncertain significance for COL1A1-related condition. Last evaluated: 2025-07-24. Review status: criteria provided, single submitter. Criteria: ACMG Guidelines, 2015. Collection method: clinical testing. Allele origin: germline.
Comment: The COL1A1 c.2105C>T variant is predicted to result in the amino acid substitution p.Ala702Val. To our knowledge, this variant has not been reported in the literature or in a large population database (gnomAD), indicating this variant is rare. At this time, the clinical significance of this variant is uncertain due to the absence of conclusive functional and genetic evidence.